The following is an entry in ClinVar:

NM_152564.5(VPS13B):c.7852C>T (p.Arg2618Trp)

Gene: VPS13B (vacuolar protein sorting 13 homolog B; plus strand). Cytogenetic location: 8q22.2.
Variant type: single nucleotide variant.
Coding change: c.7852C>T on transcript NM_152564.5 (MANE Select); coding-DNA position 7852, C replaced by T.
Protein change: p.Arg2618Trp; replaces arginine 2618 with tryptophan.
Molecular consequence: missense variant.
Genome position (GRCh38, 1-based): chr8:99,784,387, C>T. VCF-style: chr8-99784387-C-T. GRCh37 (hg19) VCF-style: chr8-100796615-C-T.
Other names: c.7927C>T, p.Arg2643Trp (NM_017890.5); short protein forms R2643W, R2618W.
Identifiers: ClinVar variation 2202516 (VCV002202516.3), dbSNP rs779101063, ClinGen allele CA4824316.

ClinVar aggregate classification (germline): Uncertain significance. Review status: criteria provided, single submitter (1 of 4 stars). 2 submissions from 2 submitters: Uncertain significance (1). 1 of the submissions does not count toward it. Last evaluated 2022-08-03.

Conditions:
Cohen syndrome (COH1). Also called: Cutis verticis gyrata, retinitis pigmentosa, and sensorineural deafness; PEPPER SYNDROME. Identifiers: Orphanet 193, MedGen C0265223, MONDO:0008999, OMIM 216550.
VPS13B-related disorder. Also called: VPS13B-related condition.

Allele frequency attached by ClinVar (database versions not stated): ExAC 0.00001; gnomAD 0.00001.
gnomAD v4.1: 7 of 1,613,594 alleles (0.00043%); highest among the groups gnomAD compares: Admixed American, 0.0017%; no homozygotes.

Submissions (2):

Labcorp Genetics (formerly Invitae), Labcorp
Classification: Uncertain significance for Cohen syndrome. Last evaluated: 2022-08-03. Review status: criteria provided, single submitter. Criteria: Invitae Variant Classification Sherloc (09022015). Collection method: clinical testing. Allele origin: germline.
Comment: This sequence change replaces arginine, which is basic and polar, with tryptophan, which is neutral and slightly polar, at codon 2643 of the VPS13B protein (p.Arg2643Trp). This variant is present in population databases (rs779101063, gnomAD 0.1%). This variant has not been reported in the literature in individuals affected with VPS13B-related conditions. Algorithms developed to predict the effect of missense changes on protein structure and function are either unavailable or do not agree on the potential impact of this missense change (SIFT: "Not Available"; PolyPhen-2: "Possibly Damaging"; Align-GVGD: "Not Available"). Algorithms developed to predict the effect of sequence changes on RNA splicing suggest that this variant may disrupt the consensus splice site. In summary, the available evidence is currently insufficient to determine the role of this variant in disease. Therefore, it has been classified as a Variant of Uncertain Significance.

PreventionGenetics, part of Exact Sciences
Classification: Uncertain significance for VPS13B-related condition. Last evaluated: 2024-02-14. Review status: no assertion criteria provided. Collection method: clinical testing. Allele origin: germline. Not counted in ClinVar's aggregate classification.
Comment: The VPS13B c.7852C>T variant is predicted to result in the amino acid substitution p.Arg2618Trp. In an alternate transcript (NM_017890.4), this variant is known as c.7927C>T (p.Arg2643Trp). To our knowledge, this variant has not been reported in the literature. This variant is reported in 0.0028% of alleles in individuals of Latino descent in gnomAD. At this time, the clinical significance of this variant is uncertain due to the absence of conclusive functional and genetic evidence.